The following is an entry in ClinVar:

NM_017654.4(SAMD9):c.2353G>A (p.Ala785Thr)

Gene: SAMD9 (sterile alpha motif domain containing 9; minus strand). Cytogenetic location: 7q21.2.
Variant type: single nucleotide variant.
Coding change: c.2353G>A on transcript NM_017654.4 (MANE Select); coding-DNA position 2353, G replaced by A.
Protein change: p.Ala785Thr; replaces alanine 785 with threonine.
Molecular consequence: missense variant.
Genome position (GRCh38, 1-based): chr7:93,103,745, C>T on the plus strand (G>A on the coding strand, the complement: SAMD9 is on the minus strand). VCF-style: chr7-93103745-C-T. GRCh37 (hg19) VCF-style: chr7-92733058-C-T.
Other names: c.2353G>A, p.Ala785Thr (NM_001193307.2); short protein forms A785T.
Identifiers: ClinVar variation 3437125 (VCV003437125.4).

ClinVar aggregate classification (germline): Conflicting classifications of pathogenicity. Review status: criteria provided, conflicting classifications (1 of 4 stars). 3 submissions from 3 submitters: Uncertain significance (2); Likely benign (1). Last evaluated 2025-05-26.

Conditions:
SAMD9-related disorder. Also called: SAMD9-related condition.
Inborn genetic diseases. Identifiers: MedGen C0950123, MeSH D030342.

Submissions (3):

Ambry Genetics
Classification: Likely benign for Inborn genetic diseases. Last evaluated: 2025-05-26. Review status: criteria provided, single submitter. Criteria: Ambry Variant Classification Scheme 2023. Collection method: clinical testing. Allele origin: germline.

Labcorp Genetics (formerly Invitae), Labcorp
Classification: Uncertain significance. Last evaluated: 2025-04-29. Review status: criteria provided, single submitter. Criteria: Invitae Variant Classification Sherloc (09022015). Collection method: clinical testing. Allele origin: germline.
Comment: This sequence change replaces alanine, which is neutral and non-polar, with threonine, which is neutral and polar, at codon 785 of the SAMD9 protein (p.Ala785Thr). This variant is present in population databases (rs780816774, gnomAD 0.002%). This variant has not been reported in the literature in individuals affected with SAMD9-related conditions. ClinVar contains an entry for this variant (Variation ID: 3437125). Invitae Evidence Modeling of protein sequence and biophysical properties (such as structural, functional, and spatial information, amino acid conservation, physicochemical variation, residue mobility, and thermodynamic stability) indicates that this missense variant is not expected to disrupt SAMD9 protein function with a negative predictive value of 95%. In summary, the available evidence is currently insufficient to determine the role of this variant in disease. Therefore, it has been classified as a Variant of Uncertain Significance.

PreventionGenetics, part of Exact Sciences
Classification: Uncertain significance for SAMD9-related condition. Last evaluated: 2025-04-12. Review status: criteria provided, single submitter. Criteria: ACMG Guidelines, 2015. Collection method: clinical testing. Allele origin: germline.
Comment: The SAMD9 c.2353G>A variant is predicted to result in the amino acid substitution p.Ala785Thr. To our knowledge, this variant has not been reported in the literature. This variant is reported in 0.00088% of alleles in individuals of European (Non-Finnish) descent in gnomAD. At this time, the clinical significance of this variant is uncertain due to the absence of conclusive functional and genetic evidence.